The following is an entry in ClinVar:

NM_001371928.1(AHDC1):c.4316C>A (p.Ala1439Glu)

Gene: AHDC1 (AT-hook DNA binding motif containing 1; minus strand). Cytogenetic location: 1p36.11.
Variant type: single nucleotide variant.
Coding change: c.4316C>A on transcript NM_001371928.1 (MANE Select); coding-DNA position 4316, C replaced by A.
Protein change: p.Ala1439Glu; replaces alanine 1439 with glutamic acid.
Molecular consequence: missense variant.
Genome position (GRCh38, 1-based): chr1:27,547,800, G>T on the plus strand (C>A on the coding strand, the complement: AHDC1 is on the minus strand). VCF-style: chr1-27547800-G-T. GRCh37 (hg19) VCF-style: chr1-27874311-G-T.
Other names: c.4316C>A, p.Ala1439Glu (NM_001029882.3); c.272C>A, p.Ala91Glu (NM_015699.1); short protein forms A91E, A1439E.
Identifiers: ClinVar variation 2815208 (VCV002815208.3), dbSNP rs769793074, ClinGen allele CA715386.

ClinVar aggregate classification (germline): Uncertain significance (1 of 4 stars; one submission).

Allele frequency attached by ClinVar (database versions not stated): ExAC 0.00001.
gnomAD v4.1: 1 of 1,564,104 alleles (0.000064%); no homozygotes.

Submission:

Labcorp Genetics (formerly Invitae), Labcorp
Classification: Uncertain significance. Last evaluated: 2022-11-21. Review status: criteria provided, single submitter. Criteria: Invitae Variant Classification Sherloc (09022015). Collection method: clinical testing. Allele origin: germline.
Comment: This sequence change replaces alanine, which is neutral and non-polar, with glutamic acid, which is acidic and polar, at codon 1439 of the AHDC1 protein (p.Ala1439Glu). In summary, the available evidence is currently insufficient to determine the role of this variant in disease. Therefore, it has been classified as a Variant of Uncertain Significance. Algorithms developed to predict the effect of missense changes on protein structure and function (SIFT, PolyPhen-2, Align-GVGD) all suggest that this variant is likely to be tolerated. This variant has not been reported in the literature in individuals affected with AHDC1-related conditions. The frequency data for this variant in the population databases is considered unreliable, as metrics indicate poor data quality at this position in the gnomAD database.